The following is an entry in ClinVar:

NM_001843.4(CNTN1):c.730A>G (p.Ile244Val)

Gene: CNTN1 (contactin 1; plus strand). Cytogenetic location: 12q12.
Variant type: single nucleotide variant.
Coding change: c.730A>G on transcript NM_001843.4 (MANE Select); coding-DNA position 730, A replaced by G.
Protein change: p.Ile244Val; replaces isoleucine 244 with valine.
Molecular consequence: missense variant.
Genome position (GRCh38, 1-based): chr12:40,933,487, A>G. VCF-style: chr12-40933487-A-G. GRCh37 (hg19) VCF-style: chr12-41327289-A-G.
Other names: c.730A>G, p.Ile244Val (NM_001256063.2, NM_001256064.2); c.697A>G, p.Ile233Val (NM_175038.2); c.730A>G (NM_001843.2); short protein forms I244V, I233V.
Identifiers: ClinVar variation 579796 (VCV000579796.9), dbSNP rs149305190, ClinGen allele CA6516694.

ClinVar aggregate classification (germline): Uncertain significance. Review status: criteria provided, multiple submitters, no conflicts (2 of 4 stars). 2 submissions from 2 submitters: Uncertain significance (2). Last evaluated 2024-08-27.

Conditions:
Inborn genetic diseases. Identifiers: MedGen C0950123, MeSH D030342.
Compton-North congenital myopathy (CMYO12). Identifiers: Orphanet 210163, MedGen C2675527, MONDO:0012929, OMIM 612540.

Allele frequency attached by ClinVar (database versions not stated): ExAC 0.00001; gnomAD exomes 0.00003 and 0.00004; TOPMed 0.00005; gnomAD 0.00006; ESP Exome Variant Server 0.00015.
gnomAD v4.1: 62 of 1,610,390 alleles (0.0038%); highest among the groups gnomAD compares: Non-Finnish European, 0.0051%; no homozygotes.

Submissions (2):

Ambry Genetics
Classification: Uncertain significance for Inborn genetic diseases. Last evaluated: 2024-08-27. Review status: criteria provided, single submitter. Criteria: Ambry Variant Classification Scheme 2023. Collection method: clinical testing. Allele origin: germline.

Labcorp Genetics (formerly Invitae), Labcorp
Classification: Uncertain significance for Compton-North congenital myopathy. Last evaluated: 2022-02-27. Review status: criteria provided, single submitter. Criteria: Invitae Variant Classification Sherloc (09022015). Collection method: clinical testing. Allele origin: germline.
Comment: This sequence change replaces isoleucine, which is neutral and non-polar, with valine, which is neutral and non-polar, at codon 244 of the CNTN1 protein (p.Ile244Val). This variant is present in population databases (rs149305190, gnomAD 0.005%). This variant has not been reported in the literature in individuals affected with CNTN1-related conditions. ClinVar contains an entry for this variant (Variation ID: 579796). Advanced modeling of protein sequence and biophysical properties (such as structural, functional, and spatial information, amino acid conservation, physicochemical variation, residue mobility, and thermodynamic stability) performed at Invitae indicates that this missense variant is not expected to disrupt CNTN1 protein function. In summary, the available evidence is currently insufficient to determine the role of this variant in disease. Therefore, it has been classified as a Variant of Uncertain Significance.